The following is an entry in ClinVar:

ClinVar aggregate classification (germline): Pathogenic (1 of 4 stars; one submission).

Conditions:
USH2A-related disorder. Also called: USH2A-related condition; USH2A-related disorders. Identifiers: MedGen CN239332.

Submission:

Myriad Genetics, Inc.
Classification: Pathogenic for USH2A-related disorder. Last evaluated: 2026-08-27. Review status: criteria provided, single submitter. Criteria: Myriad Autosomal Dominant, Autosomal Recessive and X-Linked Classification Criteria (2023). Collection method: clinical testing. Allele origin: unknown.
Comment: NM_206933.2(USH2A):c.2691_2697del7(Q898Vfs*67) is expected to be pathogenic in the context of USH2A-related disorders. This variant is predicted to lead to an abnormal or absent protein product due to the creation of a premature termination codon in USH2A, a gene where loss-of-function variants are known to be pathogenic. Please note: this variant was assessed in the context of healthy population screening.

NM_206933.4(USH2A):c.2691_2697del (p.Gln898fs)

Genes: USH2A (usherin; minus strand), LOC122152296 (Sharpr-MPRA regulatory region 8762; plus strand). Cytogenetic location: 1q41.
Variant type: Deletion.
Coding change: c.2691_2697del on transcript NM_206933.4 (MANE Select); coding-DNA positions 2691 to 2697, 7 bases deleted (CCAGATG; older notation c.2691_2697delCCAGATG).
Protein change: p.Gln898fs; shifts the reading frame from glutamine 898.
Molecular consequence: frameshift variant.
Genome position (GRCh38, 1-based): chr1:216,246,697-216,246,703, CATCTGG deleted on the plus strand (CCAGATG on the coding strand, the reverse complement: USH2A is on the minus strand); deleting any 7 consecutive bases within chr1:216,246,697-216,246,705 gives the same sequence; the c. name uses the placement nearest the transcript's 3' end. VCF-style (leftmost placement, unchanged base first): chr1-216246696-ACATCTGG-A. GRCh37 (hg19) VCF-style: chr1-216420038-ACATCTGG-A.
Other names: c.2691_2697del, p.Gln898fs (NM_007123.6); short protein forms Q898fs.
Identifiers: ClinVar variation 5016285 (VCV005016285.1).
Genomic context (GRCh38, chr1:216,246,696, plus strand): 5'-ACTGGCCACTGATTGGGTCACAAATGGTCCCAGGTAATGTCCCCAAGGAATCACACTCAC[ACATCTGG>A]CAGTGTTGAAAATTGTCAATGGTCAAATTGTACCTGTGAGGCTCACACTGATTACAGCGA-3'